The following is an entry in ClinVar:

ClinVar aggregate classification (germline): Uncertain significance (1 of 4 stars; one submission).

Conditions:
Charcot-Marie-Tooth disease axonal type 2C (HMSN2C). Also called: CHARCOT-MARIE-TOOTH DISEASE, AXONAL, AUTOSOMAL DOMINANT, TYPE 2C; Charcot-Marie-Tooth Neuropathy Type 2C; Charcot-Marie-Tooth Disease Type 2, TRPV4-Related (CMT2C). Identifiers: Orphanet 99937, MedGen C1853710, MONDO:0011633, OMIM 606071.

Allele frequency attached by ClinVar (database versions not stated): gnomAD exomes below 0.00001; ExAC 0.00001; gnomAD 0.00001.
gnomAD v4.1: 3 of 1,613,910 alleles (0.00019%); highest among the groups gnomAD compares: Admixed American, 0.0033%; no homozygotes.

Submission:

Labcorp Genetics (formerly Invitae), Labcorp
Classification: Uncertain significance for Charcot-Marie-Tooth disease axonal type 2C. Last evaluated: 2024-01-08. Review status: criteria provided, single submitter. Criteria: Invitae Variant Classification Sherloc (09022015). Collection method: clinical testing. Allele origin: germline.
Comment: This sequence change replaces phenylalanine, which is neutral and non-polar, with tyrosine, which is neutral and polar, at codon 756 of the TRPV4 protein (p.Phe756Tyr). This variant is present in population databases (rs779238510, gnomAD 0.003%). This variant has not been reported in the literature in individuals affected with TRPV4-related conditions. ClinVar contains an entry for this variant (Variation ID: 1387324). Advanced modeling of protein sequence and biophysical properties (such as structural, functional, and spatial information, amino acid conservation, physicochemical variation, residue mobility, and thermodynamic stability) has been performed at Invitae for this missense variant, however the output from this modeling did not meet the statistical confidence thresholds required to predict the impact of this variant on TRPV4 protein function. In summary, the available evidence is currently insufficient to determine the role of this variant in disease. Therefore, it has been classified as a Variant of Uncertain Significance.

NM_021625.5(TRPV4):c.2267T>A (p.Phe756Tyr)

Gene: TRPV4 (transient receptor potential cation channel subfamily V member 4; minus strand). Cytogenetic location: 12q24.11.
Variant type: single nucleotide variant.
Coding change: c.2267T>A on transcript NM_021625.5 (MANE Select); coding-DNA position 2267, T replaced by A.
Protein change: p.Phe756Tyr; replaces phenylalanine 756 with tyrosine.
Molecular consequence: missense variant.
Genome position (GRCh38, 1-based): chr12:109,786,779, A>T on the plus strand (T>A on the coding strand, the complement: TRPV4 is on the minus strand). VCF-style: chr12-109786779-A-T. GRCh37 (hg19) VCF-style: chr12-110224584-A-T.
Other names: c.2165T>A, p.Phe722Tyr (NM_001177431.2); c.1946T>A, p.Phe649Tyr (NM_001177433.2); c.2087T>A, p.Phe696Tyr (NM_147204.3); c.2126T>A, p.Phe709Tyr (NM_001177428.2); short protein forms F709Y, F722Y, F756Y, F649Y, F696Y.
Identifiers: ClinVar variation 1387324 (VCV001387324.6), dbSNP rs779238510, ClinGen allele CA6779976.